The following is an entry in ClinVar:

ClinVar aggregate classification (germline): Uncertain significance. Review status: criteria provided, multiple submitters, no conflicts (2 of 4 stars). 3 submissions from 3 submitters: Uncertain significance (3). Last evaluated 2026-01-27.

Conditions:
Hereditary cancer-predisposing syndrome. Also called: Neoplastic Syndromes, Hereditary; Tumor predisposition; Hereditary Cancer Syndrome; Hereditary neoplastic syndrome. Identifiers: Orphanet 140162, MedGen C0027672, MeSH D009386, MONDO:0015356.
Familial adenomatous polyposis 2. Also called: Adenomas, multiple colorectal; COLORECTAL ADENOMATOUS POLYPOSIS, AUTOSOMAL RECESSIVE; ADENOMAS, MULTIPLE COLORECTAL, AUTOSOMAL RECESSIVE; MYH-associated polyposis; MUTYH Polyposis; FAP type 2. Identifiers: Orphanet 220460, Orphanet 247798, MedGen C3272841, MONDO:0012041, OMIM 608456.

Submissions (3):

Labcorp Genetics (formerly Invitae), Labcorp
Classification: Uncertain significance for Familial adenomatous polyposis 2. Last evaluated: 2026-01-27. Review status: criteria provided, single submitter. Criteria: Invitae Variant Classification Sherloc (09022015). Collection method: clinical testing. Allele origin: germline.
Comment: This sequence change replaces arginine, which is basic and polar, with threonine, which is neutral and polar, at codon 360 of the MUTYH protein (p.Arg360Thr). This variant is not present in population databases (gnomAD no frequency). This variant has not been reported in the literature in individuals affected with MUTYH-related conditions. ClinVar contains an entry for this variant (Variation ID: 185683). An algorithm developed to predict the effect of missense changes on protein structure and function (PolyPhen-2) suggests that this variant is likely to be disruptive. In summary, the available evidence is currently insufficient to determine the role of this variant in disease. Therefore, it has been classified as a Variant of Uncertain Significance.

Ambry Genetics
Classification: Uncertain significance for Hereditary cancer-predisposing syndrome. Last evaluated: 2024-10-04. Review status: criteria provided, single submitter. Criteria: Ambry Variant Classification Scheme 2023. Collection method: clinical testing. Allele origin: germline.
Comment: The p.R360T variant (also known as c.1079G>C), located in coding exon 12 of the MUTYH gene, results from a G to C substitution at nucleotide position 1079. The arginine at codon 360 is replaced by threonine, an amino acid with similar properties. This amino acid position is highly conserved in available vertebrate species. In addition, the in silico prediction for this alteration is inconclusive. Based on the available evidence, the clinical significance of this variant remains unclear.

GeneDx
Classification: Uncertain significance. Last evaluated: 2023-12-18. Review status: criteria provided, single submitter. Criteria: GeneDx Variant Classification Process June 2021. Collection method: clinical testing. Allele origin: germline. Affected: yes.
Comment: Not observed at significant frequency in large population cohorts (gnomAD); In silico analysis supports that this missense variant has a deleterious effect on protein structure/function; Has not been previously published as pathogenic or benign to our knowledge

NM_001048174.2(MUTYH):c.995G>C (p.Arg332Thr)

Gene: MUTYH (mutY DNA glycosylase; minus strand). Cytogenetic location: 1p34.1.
Variant type: single nucleotide variant.
Coding change: c.995G>C on transcript NM_001048174.2 (MANE Select); coding-DNA position 995, G replaced by C.
Protein change: p.Arg332Thr; replaces arginine 332 with threonine.
Molecular consequence: missense variant. On other transcripts: non-coding transcript variant (2).
Genome position (GRCh38, 1-based): chr1:45,331,768, C>G on the plus strand (G>C on the coding strand, the complement: MUTYH is on the minus strand). VCF-style: chr1-45331768-C-G. GRCh37 (hg19) VCF-style: chr1-45797440-C-G.
Other names: c.1079G>C, p.Arg360Thr (NM_001128425.2); c.1040G>C, p.Arg347Thr (NM_001293190.2); c.1028G>C, p.Arg343Thr (NM_001293191.2); c.719G>C, p.Arg240Thr (NM_001293192.2, NM_001293196.2); c.995G>C, p.Arg332Thr (NM_001293195.2, NM_001048171.2, NM_001048173.2); c.650G>C, p.Arg217Thr (NM_001350650.2, NM_001350651.2); c.1070G>C, p.Arg357Thr (NM_012222.3); c.998G>C, p.Arg333Thr (NM_001048172.2); short protein forms R360T, R217T, R240T, R333T, R332T, R343T, R357T, R347T.
Identifiers: ClinVar variation 185683 (VCV000185683.15), dbSNP rs786202371, ClinGen allele CA012077.